The following is an entry in ClinVar:

NM_000419.5(ITGA2B):c.2660G>A (p.Arg887Gln)

Gene: ITGA2B (integrin subunit alpha 2b; minus strand). Cytogenetic location: 17q21.31.
Variant type: single nucleotide variant.
Coding change: c.2660G>A on transcript NM_000419.5 (MANE Select); coding-DNA position 2660, G replaced by A.
Protein change: p.Arg887Gln; replaces arginine 887 with glutamine.
Molecular consequence: missense variant.
Genome position (GRCh38, 1-based): chr17:44,375,658, C>T on the plus strand (G>A on the coding strand, the complement: ITGA2B is on the minus strand). VCF-style: chr17-44375658-C-T. GRCh37 (hg19) VCF-style: chr17-42453026-C-T.
Other names: short protein forms R887Q.
Identifiers: ClinVar variation 2177678 (VCV002177678.6), dbSNP rs778956387, ClinGen allele CA8602628.

ClinVar aggregate classification (germline): Uncertain significance. Review status: criteria provided, multiple submitters, no conflicts (2 of 4 stars). 2 submissions from 2 submitters: Uncertain significance (2). Last evaluated 2026-01-27.

Conditions:
Inborn genetic diseases. Identifiers: MedGen C0950123, MeSH D030342.
Glanzmann thrombasthenia. Also called: BLEEDING DISORDER, PLATELET-TYPE, 2; THROMBASTHENIA OF GLANZMANN AND NAEGELI; Thrombasthenia; PLATELET GLYCOPROTEIN IIb-IIIa DEFICIENCY; Glanzmann's thrombasthenia. Identifiers: Orphanet 849, MedGen C0040015, MONDO:0100326.

Allele frequency attached by ClinVar (database versions not stated): gnomAD 0.00004; ExAC 0.00007; 1000 Genomes Project 30x 0.00016.

Submissions (2):

Labcorp Genetics (formerly Invitae), Labcorp
Classification: Uncertain significance for Glanzmann thrombasthenia. Last evaluated: 2026-01-27. Review status: criteria provided, single submitter. Criteria: Invitae Variant Classification Sherloc (09022015). Collection method: clinical testing. Allele origin: germline.
Comment: This sequence change replaces arginine, which is basic and polar, with glutamine, which is neutral and polar, at codon 887 of the ITGA2B protein (p.Arg887Gln). This variant is present in population databases (rs778956387, gnomAD 0.03%). This variant has not been reported in the literature in individuals affected with ITGA2B-related conditions. ClinVar contains an entry for this variant (Variation ID: 2177678). Invitae Evidence Modeling of protein sequence and biophysical properties (such as structural, functional, and spatial information, amino acid conservation, physicochemical variation, residue mobility, and thermodynamic stability) indicates that this missense variant is expected to disrupt ITGA2B protein function with a positive predictive value of 95%. In summary, the available evidence is currently insufficient to determine the role of this variant in disease. Therefore, it has been classified as a Variant of Uncertain Significance.

Ambry Genetics
Classification: Uncertain significance for Inborn genetic diseases. Last evaluated: 2024-09-10. Review status: criteria provided, single submitter. Criteria: Ambry Variant Classification Scheme 2023. Collection method: clinical testing. Allele origin: germline.